The following is an entry in ClinVar:

NM_002016.2(FLG):c.7661C>G (p.Ser2554Ter)

Genes: FLG (filaggrin; minus strand), CCDST (cervical cancer associated DHX9 suppressive transcript; plus strand). Cytogenetic location: 1q21.3.
Variant type: single nucleotide variant.
Coding change: c.7661C>G on transcript NM_002016.2 (MANE Select); coding-DNA position 7661, C replaced by G.
Protein change: p.Ser2554Ter; replaces serine 2554 with a stop codon.
Molecular consequence: nonsense.
Genome position (GRCh38, 1-based): chr1:152,307,225, G>C on the plus strand (C>G on the coding strand, the complement: FLG is on the minus strand). VCF-style: chr1-152307225-G-C. GRCh37 (hg19) VCF-style: chr1-152279701-G-C.
Other names: c.7661C>G (NM_002016.1); short protein forms S2554*.
Identifiers: ClinVar variation 16321 (VCV000016321.5), dbSNP rs121909626, ClinGen allele CA126362.

ClinVar aggregate classification (germline): Pathogenic/Likely pathogenic. Review status: criteria provided, multiple submitters, no conflicts (2 of 4 stars). 6 submissions from 5 submitters: Pathogenic (2); Likely pathogenic (2). 2 of the submissions do not count toward it. Last evaluated 2023-12-14.

Conditions:
Ichthyosis vulgaris. Also called: Dominant ichthyosis vulgaris; ICHTHYOSIS SIMPLEX. Identifiers: MedGen C0079584, MONDO:0024304, OMIM 146700.
Dermatitis, atopic, 2. Identifiers: MedGen C1853965, MONDO:0011596, OMIM 605803.
Dermatitis, atopic, 2, susceptibility to. Identifiers: MedGen C2675432.

Allele frequency attached by ClinVar (database versions not stated): TOPMed 0.00001; gnomAD exomes 0.00002; ExAC 0.00003; gnomAD 0.00003.

Submissions (6):

GeneDx
Classification: Pathogenic. Last evaluated: 2023-12-14. Review status: criteria provided, single submitter. Criteria: GeneDx Variant Classification Process June 2021. Collection method: clinical testing. Allele origin: germline. Affected: yes.
Comment: Nonsense variant predicted to result in protein truncation, as the last 1508 amino acids are lost, and other loss-of-function variants have been reported downstream in HGMD; This variant is associated with the following publications: (PMID: 18521703, 17291859, 20159264, 28143684, 21173567, 18200065)

Genome-Nilou Lab
Classification: Likely pathogenic for Ichthyosis vulgaris. Last evaluated: 2023-04-11. Review status: criteria provided, single submitter. Criteria: ACMG Guidelines, 2015. Collection method: clinical testing. Allele origin: germline. Affected: no.

Mendelics
Classification: Pathogenic for Ichthyosis vulgaris. Last evaluated: 2022-05-04. Review status: criteria provided, single submitter. Criteria: Mendelics Assertion Criteria 2019. Collection method: clinical testing. Allele origin: germline.

Fulgent Genetics
Classification: Likely pathogenic for Ichthyosis vulgaris; Dermatitis, atopic, 2. Last evaluated: 2022-01-17. Review status: criteria provided, single submitter. Criteria: ACMG Guidelines, 2015. Collection method: clinical testing. Allele origin: unknown.

OMIM
Classification: Pathogenic for ICHTHYOSIS VULGARIS. Last evaluated: 2007-02-01. Review status: no assertion criteria provided. Collection method: literature only. Allele origin: germline. Not counted in ClinVar's aggregate classification.

OMIM
Classification: risk factor for DERMATITIS, ATOPIC, 2, SUSCEPTIBILITY TO. Last evaluated: 2007-02-01. Review status: no assertion criteria provided. Collection method: literature only. Allele origin: germline. Not counted in ClinVar's aggregate classification.

Literature cited by the submitters: PubMed 17291859 (cited by OMIM).